The following is an entry in ClinVar:

ClinVar aggregate classification (germline): Uncertain significance (1 of 4 stars; one submission).

Submission:

Labcorp Genetics (formerly Invitae), Labcorp
Classification: Uncertain significance. Last evaluated: 2021-09-07. Review status: criteria provided, single submitter. Criteria: Invitae Variant Classification Sherloc (09022015). Collection method: clinical testing. Allele origin: germline.
Comment: This sequence change replaces isoleucine with phenylalanine at codon 212 of the CDH2 protein (p.Ile212Phe). The isoleucine residue is highly conserved and there is a small physicochemical difference between isoleucine and phenylalanine. This variant is not present in population databases (ExAC no frequency). This variant has not been reported in the literature in individuals affected with CDH2-related conditions. Algorithms developed to predict the effect of missense changes on protein structure and function are either unavailable or do not agree on the potential impact of this missense change (SIFT: "Deleterious"; PolyPhen-2: "Probably Damaging"; Align-GVGD: "Class C0"). In summary, the available evidence is currently insufficient to determine the role of this variant in disease. Therefore, it has been classified as a Variant of Uncertain Significance.

NM_001792.5(CDH2):c.634A>T (p.Ile212Phe)

Gene: CDH2 (cadherin 2; minus strand). Cytogenetic location: 18q12.1.
Variant type: single nucleotide variant.
Coding change: c.634A>T on transcript NM_001792.5 (MANE Select); coding-DNA position 634, A replaced by T.
Protein change: p.Ile212Phe; replaces isoleucine 212 with phenylalanine.
Molecular consequence: missense variant.
Genome position (GRCh38, 1-based): chr18:28,009,785, T>A on the plus strand (A>T on the coding strand, the complement: CDH2 is on the minus strand). VCF-style: chr18-28009785-T-A. GRCh37 (hg19) VCF-style: chr18-25589749-T-A.
Other names: c.541A>T, p.Ile181Phe (NM_001308176.2); short protein forms I212F, I181F.
Identifiers: ClinVar variation 1477902 (VCV001477902.6), dbSNP rs1041972, ClinGen allele CA402243532.
Genomic context (GRCh38, chr18:28,009,785, plus strand): 5'-GGGCTATCTGCTCGCGATCCAGGGGCTTTGTCACCGACAGCTGACCCGAGATGGGGTTGA[T>A]AATGAAGATACCAGTTGGAGGCTGGTCAGCTCCTGGCCCAGTTACACTGTACCGCAGTGA-3'
Protein context (NP_001783.2, residues 202-222): ADQPPTGIFI[Ile212Phe]NPISGQLSVT